The following is an entry in ClinVar:

NM_002016.2(FLG):c.8193G>A (p.Thr2731=)

Genes: CCDST (cervical cancer associated DHX9 suppressive transcript; plus strand), FLG (filaggrin; minus strand). Cytogenetic location: 1q21.3.
Variant type: single nucleotide variant.
Coding change: c.8193G>A on transcript NM_002016.2 (MANE Select); coding-DNA position 8193, G replaced by A.
Protein change: p.Thr2731=; no amino-acid change (threonine 2731 retained).
Molecular consequence: synonymous variant.
Genome position (GRCh38, 1-based): chr1:152,306,693, C>T on the plus strand (G>A on the coding strand, the complement: FLG is on the minus strand). VCF-style: chr1-152306693-C-T. GRCh37 (hg19) VCF-style: chr1-152279169-C-T.
Identifiers: ClinVar variation 1694524 (VCV001694524.31), dbSNP rs773369389, ClinGen allele CA1104391.

ClinVar aggregate classification (germline): Likely benign (1 of 4 stars; one submission).

Allele frequency attached by ClinVar (database versions not stated): gnomAD 0.00005; gnomAD exomes 0.00009; ExAC 0.00016.

Submission:

CeGaT Center for Human Genetics Tuebingen
Classification: Likely benign. Last evaluated: 2022-05-01. Review status: criteria provided, single submitter. Criteria: CeGaT Center For Human Genetics Tuebingen Variant Classification Criteria Version 2. Collection method: clinical testing. Allele origin: germline. Affected: yes. Observed: 1 variant allele.
Comment: FLG: BP4, BP7